The following is an entry in ClinVar:

ClinVar aggregate classification (germline): Uncertain significance. Review status: criteria provided, multiple submitters, no conflicts (2 of 4 stars). 2 submissions from 2 submitters: Uncertain significance (2). Last evaluated 2024-10-30.

Conditions:
Jeune thoracic dystrophy. Also called: Infantile thoracic dystrophy; Thoracic pelvic phalangeal dystrophy; Jeune's syndrome; Chondroectodermal dysplasia-like syndrome; Jeune syndrome; Short-rib thoracic dysplasia. Identifiers: Orphanet 474, MedGen C0265275, MONDO:0018770.

Allele frequency attached by ClinVar (database versions not stated): ExAC 0.00001; gnomAD exomes 0.00001.
gnomAD v4.1: 15 of 1,612,298 alleles (0.00093%); highest among the groups gnomAD compares: South Asian, 0.0022%; no homozygotes.

Submissions (2):

Labcorp Genetics (formerly Invitae), Labcorp
Classification: Uncertain significance for Jeune thoracic dystrophy. Last evaluated: 2024-10-30. Review status: criteria provided, single submitter. Criteria: Invitae Variant Classification Sherloc (09022015). Collection method: clinical testing. Allele origin: germline.
Comment: This sequence change replaces isoleucine, which is neutral and non-polar, with threonine, which is neutral and polar, at codon 1432 of the DYNC2H1 protein (p.Ile1432Thr). This variant is present in population databases (rs776944417, gnomAD 0.003%). This variant has not been reported in the literature in individuals affected with DYNC2H1-related conditions. ClinVar contains an entry for this variant (Variation ID: 1383193). Invitae Evidence Modeling of protein sequence and biophysical properties (such as structural, functional, and spatial information, amino acid conservation, physicochemical variation, residue mobility, and thermodynamic stability) indicates that this missense variant is expected to disrupt DYNC2H1 protein function with a positive predictive value of 95%. In summary, the available evidence is currently insufficient to determine the role of this variant in disease. Therefore, it has been classified as a Variant of Uncertain Significance.

Blueprint Genetics
Classification: Uncertain significance. Last evaluated: 2024-08-15. Review status: criteria provided, single submitter. Criteria: ACMG Guidelines, 2015. Collection method: clinical testing. Allele origin: germline.

NM_001377.3(DYNC2H1):c.4295T>C (p.Ile1432Thr)

Gene: DYNC2H1 (dynein cytoplasmic 2 heavy chain 1; plus strand). Cytogenetic location: 11q22.3.
Variant type: single nucleotide variant.
Coding change: c.4295T>C on transcript NM_001377.3 (MANE Select); coding-DNA position 4295, T replaced by C.
Protein change: p.Ile1432Thr; replaces isoleucine 1432 with threonine.
Molecular consequence: missense variant.
Genome position (GRCh38, 1-based): chr11:103,158,944, T>C. VCF-style: chr11-103158944-T-C. GRCh37 (hg19) VCF-style: chr11-103029673-T-C.
Other names: c.4295T>C, p.Ile1432Thr (NM_001080463.2); short protein forms I1432T.
Identifiers: ClinVar variation 1383193 (VCV001383193.8), dbSNP rs776944417, ClinGen allele CA6253527.